The following is an entry in ClinVar:

ClinVar aggregate classification (germline): Likely benign (0 of 4 stars; one submission).

Conditions:
SETX-related disorder. Also called: SETX-related condition; SETX-related disorders. Identifiers: MedGen CN239403.

gnomAD v4.1: 4 of 1,614,024 alleles (0.00025%); highest among the groups gnomAD compares: Non-Finnish European, 0.00025%; no homozygotes.

Submission:

PreventionGenetics, part of Exact Sciences
Classification: Likely benign for SETX-related condition. Last evaluated: 2023-04-07. Review status: no assertion criteria provided. Collection method: clinical testing. Allele origin: germline.
Comment: This variant is classified as likely benign based on ACMG/AMP sequence variant interpretation guidelines (Richards et al. 2015 PMID: 25741868, with internal and published modifications).

NM_015046.7(SETX):c.5949+7A>G

Gene: SETX (senataxin; minus strand). Cytogenetic location: 9q34.13.
Variant type: single nucleotide variant.
Coding change: c.5949+7A>G on transcript NM_015046.7 (MANE Select); 7 bases into the intron after coding-DNA position 5949, A replaced by G.
Molecular consequence: intron variant.
Genome position (GRCh38, 1-based): chr9:132,296,880, T>C on the plus strand (A>G on the coding strand, the complement: SETX is on the minus strand). VCF-style: chr9-132296880-T-C. GRCh37 (hg19) VCF-style: chr9-135172267-T-C.
Other names: c.5949+7A>G (NM_001351528.2, NM_001351527.2).
Identifiers: ClinVar variation 3356536 (VCV003356536.1).